The following is an entry in ClinVar:

ClinVar aggregate classification (germline): Uncertain significance (1 of 4 stars; one submission).

Submission:

GeneDx
Classification: Uncertain significance. Last evaluated: 2023-11-07. Review status: criteria provided, single submitter. Criteria: GeneDx Variant Classification Process June 2021. Collection method: clinical testing. Allele origin: germline. Affected: yes.
Comment: Has not been previously published as pathogenic or benign to our knowledge; In-frame deletion of 1 amino acid in a non-repeat region; Not observed at significant frequency in large population cohorts (gnomAD)

NM_000213.5(ITGB4):c.4474_4476del (p.Tyr1492del)

Genes: GALK1 (galactokinase 1; minus strand), ITGB4 (integrin subunit beta 4; plus strand). Cytogenetic location: 17q25.1.
Variant type: Deletion.
Coding change: c.4474_4476del on transcript NM_000213.5 (MANE Select); coding-DNA positions 4474 to 4476, 3 bases deleted (TAC; older notation c.4474_4476delTAC).
Protein change: p.Tyr1492del; deletes tyrosine 1492.
Molecular consequence: inframe deletion. On other transcripts: intron variant (1).
Genome position (GRCh38, 1-based): chr17:75,754,731-75,754,733, TAC deleted; deleting any 3 consecutive bases within chr17:75,754,729-75,754,733 gives the same sequence; the c. name uses the placement nearest the transcript's 3' end. VCF-style (leftmost placement, unchanged base first): chr17-75754728-GACT-G. GRCh37 (hg19) VCF-style: chr17-73750809-GACT-G.
Other names: c.4264_4266del, p.Tyr1422del (NM_001005619.2, NM_001005731.3, NM_001321123.2 and 1 more transcripts); c.*23-2994_*23-2992del (NM_001381985.1); short protein forms Y1422del, Y1492del.
Identifiers: ClinVar variation 3363838 (VCV003363838.1).